The following is an entry in ClinVar:

NM_025074.7(FRAS1):c.7522+5G>T

Gene: FRAS1 (Fraser extracellular matrix complex subunit 1; plus strand). Cytogenetic location: 4q21.21.
Variant type: single nucleotide variant.
Coding change: c.7522+5G>T on transcript NM_025074.7 (MANE Select); 5 bases into the intron after coding-DNA position 7522, G replaced by T.
Molecular consequence: intron variant.
Genome position (GRCh38, 1-based): chr4:78,472,335, G>T. VCF-style: chr4-78472335-G-T. GRCh37 (hg19) VCF-style: chr4-79393489-G-T.
Identifiers: ClinVar variation 3368587 (VCV003368587.1).
Genomic context (GRCh38, chr4:78,472,335, plus strand): 5'-TGGCTTTGTGGAGAACAAGCTGCAGCCTGGCAGAGCTGCTGCCACTTTCACCCAGGGTGG[G>T]GACTCTCTGGGAACTTAGAAATGGGAGAAATCTATGCTAATGTCACACTGCCTATCTCCC-3'

ClinVar aggregate classification (germline): Uncertain significance (1 of 4 stars; one submission).

Submission:

GeneDx
Classification: Uncertain significance. Last evaluated: 2024-02-03. Review status: criteria provided, single submitter. Criteria: GeneDx Variant Classification Process June 2021. Collection method: clinical testing. Allele origin: germline. Affected: yes.
Comment: Not observed at significant frequency in large population cohorts (gnomAD); In silico analysis is inconclusive as to whether the variant alters gene splicing. In the absence of RNA/functional studies, the actual effect of this sequence change is unknown.; Has not been previously published as pathogenic or benign to our knowledge